The following is an entry in ClinVar:

NM_003803.4(MYOM1):c.3083G>T (p.Cys1028Phe)

Gene: MYOM1 (myomesin 1; minus strand). Cytogenetic location: 18p11.31.
Variant type: single nucleotide variant.
Coding change: c.3083G>T on transcript NM_003803.4 (MANE Select); coding-DNA position 3083, G replaced by T.
Protein change: p.Cys1028Phe; replaces cysteine 1028 with phenylalanine.
Molecular consequence: missense variant.
Genome position (GRCh38, 1-based): chr18:3,119,904, C>A on the plus strand (G>T on the coding strand, the complement: MYOM1 is on the minus strand). VCF-style: chr18-3119904-C-A. GRCh37 (hg19) VCF-style: chr18-3119902-C-A.
Other names: c.2795G>T, p.Cys932Phe (NM_019856.2); short protein forms C1028F, C932F.
Identifiers: ClinVar variation 1011926 (VCV001011926.8), dbSNP rs2079660280, ClinGen allele CA401706901.
Genomic context (GRCh38, chr18:3,119,904, plus strand): 5'-GTGGAGGCAGGTGTCTGTGGTTTACCTGGGACGGCGATGGTCCACTCTTCACATTTGAAG[C>A]ATTCGCTTACTGCGGAGGGCGCGCCCAGCCCAGCCATGTTCATGGCTGCCACTTGGAACT-3'
Protein context (NP_003794.3, residues 1018-1038): GLGAPSAVSE[Cys1028Phe]FKCEEWTIAV

ClinVar aggregate classification (germline): Uncertain significance (1 of 4 stars; one submission).

Conditions:
Hypertrophic cardiomyopathy. Also called: HYPERTROPHIC MYOCARDIOPATHY. Identifiers: Orphanet 217569, MedGen C0007194, MeSH D002312, MONDO:0005045, HP:0001639.

Submission:

Labcorp Genetics (formerly Invitae), Labcorp
Classification: Uncertain significance for Hypertrophic cardiomyopathy. Last evaluated: 2020-07-23. Review status: criteria provided, single submitter. Criteria: Invitae Variant Classification Sherloc (09022015). Collection method: clinical testing. Allele origin: germline.
Comment: In summary, the available evidence is currently insufficient to determine the role of this variant in disease. Therefore, it has been classified as a Variant of Uncertain Significance. This sequence change replaces cysteine with phenylalanine at codon 1028 of the MYOM1 protein (p.Cys1028Phe). The cysteine residue is weakly conserved and there is a large physicochemical difference between cysteine and phenylalanine. This variant is not present in population databases (ExAC no frequency). This variant has not been reported in the literature in individuals with MYOM1-related conditions. Algorithms developed to predict the effect of missense changes on protein structure and function (SIFT, PolyPhen-2, Align-GVGD) all suggest that this variant is likely to be tolerated, but these predictions have not been confirmed by published functional studies and their clinical significance is uncertain.